The following is an entry in ClinVar:

NM_001136505.2(TERB1):c.69A>G (p.Leu23=)

Gene: TERB1 (telomere repeat binding bouquet formation protein 1; minus strand). Cytogenetic location: 16q22.1.
Variant type: single nucleotide variant.
Coding change: c.69A>G on transcript NM_001136505.2 (MANE Select); coding-DNA position 69, A replaced by G.
Protein change: p.Leu23=; no amino-acid change (leucine 23 retained).
Molecular consequence: synonymous variant.
Genome position (GRCh38, 1-based): chr16:66,790,982, T>C on the plus strand (A>G on the coding strand, the complement: TERB1 is on the minus strand). VCF-style: chr16-66790982-T-C. GRCh37 (hg19) VCF-style: chr16-66824885-T-C.
Identifiers: ClinVar variation 2646605 (VCV002646605.24), dbSNP rs200583619, ClinGen allele CA8095719.

ClinVar aggregate classification (germline): Likely benign (1 of 4 stars; one submission).

Allele frequency attached by ClinVar (database versions not stated): gnomAD 0.00027; TOPMed 0.00057; gnomAD exomes 0.00067; ExAC 0.00157.
gnomAD v4.1: 1,004 of 1,547,528 alleles (0.065%); highest among the groups gnomAD compares: South Asian, 0.33%; 3 homozygotes.

Submission:

CeGaT Center for Human Genetics Tuebingen
Classification: Likely benign. Last evaluated: 2023-03-01. Review status: criteria provided, single submitter. Criteria: CeGaT Center For Human Genetics Tuebingen Variant Classification Criteria Version 2. Collection method: clinical testing. Allele origin: germline. Affected: yes. Observed: 1 variant allele.
Comment: TERB1: BP4, BP7